The following is an entry in ClinVar:

NM_000104.4(CYP1B1):c.171G>T (p.Trp57Cys)

Gene: CYP1B1 (cytochrome P450 family 1 subfamily B member 1; minus strand). Cytogenetic location: 2p22.2.
Variant type: single nucleotide variant.
Coding change: c.171G>T on transcript NM_000104.4 (MANE Select); coding-DNA position 171, G replaced by T.
Protein change: p.Trp57Cys; replaces tryptophan 57 with cysteine.
Molecular consequence: missense variant.
Genome position (GRCh38, 1-based): chr2:38,075,218, C>A on the plus strand (G>T on the coding strand, the complement: CYP1B1 is on the minus strand). VCF-style: chr2-38075218-C-A. GRCh37 (hg19) VCF-style: chr2-38302361-C-A.
Other names: NM_000104.4:c.171G>T; short protein forms W57C.
Identifiers: ClinVar variation 4530674 (VCV004530674.1).

ClinVar aggregate classification (germline): Uncertain significance (3 of 4 stars; one submission).

Conditions:
CYP1B1-related glaucoma with or without anterior segment dysgenesis. Identifiers: MedGen CN375931, MONDO:0800472.

Submission:

ClinGen Glaucoma Variant Curation Expert Panel
Classification: Uncertain significance for CYP1B1-related glaucoma with or without anterior segment dysgenesis. Last evaluated: 2025-11-19. Review status: reviewed by expert panel. Criteria: ClinGen CYP1B1 ACMG Specifications V1 Approved. Collection method: curation. Allele origin: germline. Inheritance: Autosomal recessive inheritance.
Comment: The c.171G>T variant in CYP1B1 is a missense variant predicted to cause substitution of Tryptophan by Cysteine at amino acid 57 (p.Trp57Cys). This missense variant is located in the hinge region, meeting PM1. This variant was not found in any genetic ancestry group of gnomAD (v4.1), meeting the ≤ 0.0005 threshold set for PM2_Supporting in a genetic ancestry group of at least 2,000 alleles. The REVEL score = 0.721, which was within the 0.644-0.772 range for PP3, predicting a damaging effect on CYP1B1 function. PS3_Supporting was not applied as the assays reported did not meet the OddsPath threshold (> 2.1) or the threshold for abnormal impact on protein function in the assay could not be determined (PMID: 27243976). This variant has not been identified as homozygous or compound heterozygous with another variant in CYP1B1, therefore PM3 was not applied. In summary, this variant met the criteria to receive a score of 4 and to be classified as a variant of uncertain significance (uncertain significance classification range -1 to 5, adapted from PMID: 32720330) for CYP1B1- related glaucoma with or without anterior segment dysgenesis (ASD) based on the ACMG/AMP criteria met, as specified by the ClinGen Glaucoma VCEP (v1.0, 06.11.2025): PM1, PP3, PM2_Supporting